The following is an entry in ClinVar:

NM_001394372.1(BICRA):c.2665G>T (p.Ala889Ser)

Gene: BICRA (BRD4 interacting chromatin remodeling complex associated protein; plus strand). Cytogenetic location: 19q13.33.
Variant type: single nucleotide variant.
Coding change: c.2665G>T on transcript NM_001394372.1 (MANE Select); coding-DNA position 2665, G replaced by T.
Protein change: p.Ala889Ser; replaces alanine 889 with serine.
Molecular consequence: missense variant.
Genome position (GRCh38, 1-based): chr19:47,694,496, G>T. VCF-style: chr19-47694496-G-T. GRCh37 (hg19) VCF-style: chr19-48197753-G-T.
Other names: c.2665G>T, p.Ala889Ser (NM_015711.3); short protein forms A889S.
Identifiers: ClinVar variation 3257178 (VCV003257178.17).

ClinVar aggregate classification (germline): Likely benign (1 of 4 stars; one submission).

gnomAD v4.1: 16 of 1,582,112 alleles (0.001%); highest among the groups gnomAD compares: Non-Finnish European, 0.00035%; no homozygotes.

Submission:

CeGaT Center for Human Genetics Tuebingen
Classification: Likely benign. Last evaluated: 2024-07-01. Review status: criteria provided, single submitter. Criteria: CeGaT Center For Human Genetics Tuebingen Variant Classification Criteria Version 2. Collection method: clinical testing. Allele origin: germline. Affected: yes. Observed: 1 variant allele.
Comment: BICRA: BS2